The following is an entry in ClinVar:

NM_001130823.3(DNMT1):c.3546C>T (p.Ala1182=)

Gene: DNMT1 (DNA methyltransferase 1; minus strand). Cytogenetic location: 19p13.2.
Variant type: single nucleotide variant.
Coding change: c.3546C>T on transcript NM_001130823.3 (MANE Select); coding-DNA position 3546, C replaced by T.
Protein change: p.Ala1182=; no amino-acid change (alanine 1182 retained).
Molecular consequence: synonymous variant.
Genome position (GRCh38, 1-based): chr19:10,140,306, G>A on the plus strand (C>T on the coding strand, the complement: DNMT1 is on the minus strand). VCF-style: chr19-10140306-G-A. GRCh37 (hg19) VCF-style: chr19-10250982-G-A.
Other names: c.3498C>T, p.Ala1166= (NM_001318730.2, NM_001379.4); c.3183C>T, p.Ala1061= (NM_001318731.2); c.3546C>T (NM_001130823.2).
Identifiers: ClinVar variation 748045 (VCV000748045.11), dbSNP rs775884429, ClinGen allele CA9187708.

ClinVar aggregate classification (germline): Likely benign. Review status: criteria provided, multiple submitters, no conflicts (2 of 4 stars). 2 submissions from 2 submitters: Likely benign (2). Last evaluated 2025-11-04.

Conditions:
Hereditary sensory neuropathy-deafness-dementia syndrome. Also called: NEUROPATHY, HEREDITARY SENSORY, WITH HEARING LOSS AND DEMENTIA; Hereditary sensory neuropathy type IE; HSN IE; Hereditary Sensory and Autonomic Neuropathy Type 1E (HSAN1E). Identifiers: Orphanet 456318, MedGen C3279885, MONDO:0013584, OMIM 614116.
DNMT1-related disorder. Also called: DNMT1-related condition. Identifiers: MedGen CN381527.

Allele frequency attached by ClinVar (database versions not stated): gnomAD 0.00001; gnomAD exomes 0.00002; ExAC 0.00003.
gnomAD v4.1: 23 of 1,613,842 alleles (0.0014%); highest among the groups gnomAD compares: Non-Finnish European, 0.0014%; no homozygotes.

Submissions (2):

Labcorp Genetics (formerly Invitae), Labcorp
Classification: Likely benign for Hereditary sensory neuropathy-deafness-dementia syndrome. Last evaluated: 2025-11-04. Review status: criteria provided, single submitter. Criteria: Invitae Variant Classification Sherloc (09022015). Collection method: clinical testing. Allele origin: germline.

PreventionGenetics, part of Exact Sciences
Classification: Likely benign for DNMT1-related condition. Last evaluated: 2025-09-09. Review status: criteria provided, single submitter. Criteria: ACMG Guidelines, 2015. Collection method: clinical testing. Allele origin: germline.
Comment: This variant is classified as likely benign based on ACMG/AMP sequence variant interpretation guidelines (Richards et al. 2015 PMID: 25741868, with internal and published modifications).